The following is an entry in ClinVar:

ClinVar aggregate classification (germline): Likely pathogenic. Review status: criteria provided, multiple submitters, no conflicts (2 of 4 stars). 2 submissions from 2 submitters: Likely pathogenic (2). Last evaluated 2025-12-30.

Conditions:
Cardiovascular phenotype. Identifiers: MedGen CN230736.
Autosomal recessive limb-girdle muscular dystrophy type 2J (LGMDR10). Also called: Limb-girdle muscular dystrophy, type 2J; MUSCULAR DYSTROPHY, LIMB-GIRDLE, AUTOSOMAL RECESSIVE 10. Identifiers: Orphanet 140922, MedGen C1837342, MONDO:0012127, OMIM 608807.
Dilated cardiomyopathy 1G (CMD1G). Identifiers: Orphanet 154, MedGen C1858763, MONDO:0011400, OMIM 604145.

Submissions (2):

Ambry Genetics
Classification: Likely pathogenic for Cardiovascular phenotype. Last evaluated: 2025-12-30. Review status: criteria provided, single submitter. Criteria: Ambry Variant Classification Scheme 2023. Collection method: clinical testing. Allele origin: germline.
Comment: The p.W14906* variant (also known as c.44717G>A), located in coding exon 153 of the TTN gene, results from a G to A substitution at nucleotide position 44717. This changes the amino acid from a tryptophan to a stop codon within coding exon 153. This exon is located in the A-band region of the N2-B isoform of the titin protein and is constitutively expressed in TTN transcripts (percent spliced in or PSI 100%). This variant is considered to be rare based on population cohorts in the Genome Aggregation Database (gnomAD). This variant is expected to result in loss of function by premature protein truncation or nonsense-mediated mRNA decay. While truncating variants in TTN are present in 1-3% of the general population, truncating variants in the A-band are the most common cause of dilated cardiomyopathy (Herman DS et al. N. Engl. J. Med., 2012 Feb;366:619-28; Roberts AM et al. Sci Transl Med, 2015 Jan;7:270ra6). TTN truncating variants encoded in constitutive exons (PSI >90%) have been found to be significantly associated with DCM regardless of their position in titin (Schafer S et al. Nat. Genet., 2017 01;49:46-53; Akhtar MM et al. Circ Heart Fail, 2020 Oct;13:e006832; Massier M et al. Clin Genet, 2025 Jan). Based on the majority of available evidence to date, this variant is likely to be pathogenic.

Labcorp Genetics (formerly Invitae), Labcorp
Classification: Likely pathogenic for Dilated cardiomyopathy 1G; Autosomal recessive limb-girdle muscular dystrophy type 2J. Last evaluated: 2024-01-05. Review status: criteria provided, single submitter. Criteria: Invitae Variant Classification Sherloc (09022015). Collection method: clinical testing. Allele origin: germline.
Comment: This sequence change creates a premature translational stop signal (p.Trp23971*) in the TTN gene. While this is not anticipated to result in nonsense mediated decay, it is expected to create a truncated TTN protein. This variant is not present in population databases (gnomAD no frequency). This variant has not been reported in the literature in individuals affected with TTN-related conditions. This variant is located in the A band of TTN (PMID: 25589632). Truncating variants in this region are significantly overrepresented in patients affected with dilated cardiomyopathy (PMID: 25589632). Truncating variants in this region have also been reported in individuals affected with autosomal recessive centronuclear myopathy (PMID: 23975875). In summary, the currently available evidence indicates that the variant is pathogenic, but additional data are needed to prove that conclusively. Therefore, this variant has been classified as Likely Pathogenic.

Literature cited by the submitters: PubMed 25589632 (cited by Labcorp Genetics (formerly Invitae), Labcorp); PubMed 23975875 (cited by Labcorp Genetics (formerly Invitae), Labcorp).

NM_001267550.2(TTN):c.71912G>A (p.Trp23971Ter)

Genes: TTN (titin; minus strand), TTN-AS1 (TTN antisense RNA 1; plus strand). Cytogenetic location: 2q31.2.
Variant type: single nucleotide variant.
Coding change: c.71912G>A on transcript NM_001267550.2 (MANE Select); coding-DNA position 71912, G replaced by A.
Protein change: p.Trp23971Ter; replaces tryptophan 23971 with a stop codon.
Molecular consequence: nonsense.
Genome position (GRCh38, 1-based): chr2:178,574,220, C>T on the plus strand (G>A on the coding strand, the complement: TTN is on the minus strand). VCF-style: chr2-178574220-C-T. GRCh37 (hg19) VCF-style: chr2-179438947-C-T.
Other names: c.66989G>A, p.Trp22330Ter (NM_001256850.1); c.44717G>A, p.Trp14906Ter (NM_003319.4); c.64208G>A, p.Trp21403Ter (NM_133378.4); c.45092G>A, p.Trp15031Ter (NM_133432.3); c.45293G>A, p.Trp15098Ter (NM_133437.4); short protein forms W15031*, W15098*, W21403*, W22330*, W23971*, W14906*.
Identifiers: ClinVar variation 2953204 (VCV002953204.4), dbSNP rs2468619234, ClinGen allele CA349649732.
Genomic context (GRCh38, chr2:178,574,220, plus strand): 5'-TCTGTTAGGCCACTGACTGTAAATTCATTCTCCAAAATGTTGCTGAAGTTGGCCTTCAGC[C>T]ACCGTCCATTAGGAAGGTCTCTCTTTTCAACGATATAACTGGTAATTTTAAAGCCCCCAG-3'